The following is an entry in ClinVar:

ClinVar aggregate classification (germline): Pathogenic (1 of 4 stars; one submission).

Conditions:
Autosomal recessive nonsyndromic hearing loss 3. Also called: NEUROSENSORY NONSYNDROMIC RECESSIVE DEAFNESS 3. Identifiers: Orphanet 90636, MedGen C1838263, MONDO:0010860, OMIM 600316.

Submission:

Institute of Rare Diseases, West China Hospital, Sichuan University
Classification: Pathogenic for Autosomal recessive nonsyndromic hearing loss 3. Last evaluated: 2025-01-09. Review status: criteria provided, single submitter. Criteria: ClinGen HL ACMG Specifications v1. Collection method: research. Allele origin: germline. Affected: yes.
Comment: PVS1;PM3;PM2_Supporting

NM_016239.4(MYO15A):c.9787+2T>C

Gene: MYO15A (myosin XVA; plus strand). Cytogenetic location: 17p11.2.
Variant type: single nucleotide variant.
Coding change: c.9787+2T>C on transcript NM_016239.4 (MANE Select); the canonical splice donor site of the intron after coding-DNA position 9787, T replaced by C.
Molecular consequence: splice donor variant.
Genome position (GRCh38, 1-based): chr17:18,163,840, T>C. VCF-style: chr17-18163840-T-C. GRCh37 (hg19) VCF-style: chr17-18067154-T-C.
Identifiers: ClinVar variation 3601430 (VCV003601430.1).
Genomic context (GRCh38, chr17:18,163,840, plus strand): 5'-GGCTCTGACACGCCCTGAGGCCTTCAATGAATATGTTATCTTCGTTGTCACCAACCGTGG[T>C]GAGTGCCAGGAAGACTGAGCATGCTGGGCCCATTCCCATCCCCGGGCCTTGTGCCATGTG-3'